The following is an entry in ClinVar:

NM_017617.5(NOTCH1):c.7001C>G (p.Pro2334Arg)

Gene: NOTCH1 (notch receptor 1; minus strand). Cytogenetic location: 9q34.3.
Variant type: single nucleotide variant.
Coding change: c.7001C>G on transcript NM_017617.5 (MANE Select); coding-DNA position 7001, C replaced by G.
Protein change: p.Pro2334Arg; replaces proline 2334 with arginine.
Molecular consequence: missense variant.
Genome position (GRCh38, 1-based): chr9:136,496,738, G>C on the plus strand (C>G on the coding strand, the complement: NOTCH1 is on the minus strand). VCF-style: chr9-136496738-G-C. GRCh37 (hg19) VCF-style: chr9-139391190-G-C.
Other names: short protein forms P2334R.
Identifiers: ClinVar variation 2117548 (VCV002117548.4), dbSNP rs370135470, ClinGen allele CA375629345.

ClinVar aggregate classification (germline): Uncertain significance (1 of 4 stars; one submission).

Conditions:
Adams-Oliver syndrome 5 (AOS5). Identifiers: Orphanet 974, MedGen C4014970, MONDO:0014459, OMIM 616028.

Submission:

Labcorp Genetics (formerly Invitae), Labcorp
Classification: Uncertain significance for Adams-Oliver syndrome 5. Last evaluated: 2022-03-26. Review status: criteria provided, single submitter. Criteria: Invitae Variant Classification Sherloc (09022015). Collection method: clinical testing. Allele origin: germline.
Comment: In summary, the available evidence is currently insufficient to determine the role of this variant in disease. Therefore, it has been classified as a Variant of Uncertain Significance. Advanced modeling of protein sequence and biophysical properties (such as structural, functional, and spatial information, amino acid conservation, physicochemical variation, residue mobility, and thermodynamic stability) performed at Invitae indicates that this missense variant is not expected to disrupt NOTCH1 protein function. This variant has not been reported in the literature in individuals affected with NOTCH1-related conditions. This variant is not present in population databases (gnomAD no frequency). This sequence change replaces proline, which is neutral and non-polar, with arginine, which is basic and polar, at codon 2334 of the NOTCH1 protein (p.Pro2334Arg).